The following is an entry in ClinVar:

ClinVar aggregate classification (germline): Pathogenic/Likely pathogenic. Review status: criteria provided, multiple submitters, no conflicts (2 of 4 stars). 3 submissions from 3 submitters: Pathogenic (2); Likely pathogenic (1). Last evaluated 2026-06-04.

Conditions:
Autosomal recessive limb-girdle muscular dystrophy. Identifiers: Orphanet 102015, MedGen C2931907, MONDO:0015152.
Walker-Warburg congenital muscular dystrophy. Also called: Muscular dystrophy-dystroglycanopathy, type A; Walker-Warburg syndrome. Identifiers: Orphanet 899, MedGen C0265221, MONDO:0000171.
Abnormality of the musculature. Identifiers: MedGen C4021745, HP:0003011.

Allele frequency attached by ClinVar (database versions not stated): gnomAD 0.00001.
gnomAD v4.1: 1 of 1,584,448 alleles (0.000063%); highest among the groups gnomAD compares: Non-Finnish European, 0.000086%; no homozygotes.

Submissions (3):

Women's Health and Genetics/Laboratory Corporation of America, LabCorp
Classification: Pathogenic for Autosomal recessive limb-girdle muscular dystrophy. Last evaluated: 2026-06-04. Review status: criteria provided, single submitter. Criteria: LabCorp Variant Classification Summary - May 2015. Collection method: clinical testing. Allele origin: germline.
Comment: Variant summary: FKRP c.1012G>C (p.Val338Leu) results in a conservative amino acid change in the encoded protein sequence. Algorithms developed to predict the effect of missense changes on protein structure and function are either unavailable or do not agree on the potential impact of this missense change. The variant was absent in 192518 control chromosomes. c.1012G>C has been observed in at least one homozygous individual affected with FKRP-related conditions (e.g. Abolhassani_2024). These data indicate that the variant may be associated with disease. To our knowledge, no experimental evidence demonstrating an impact on protein function has been reported. A different variant resulting in the same amino acid change has been classified as pathogenic (c.1012G>T, p.Val338Leu) by our lab, supporting the critical relevance of codon 338 to FKRP protein function. The following publication has been ascertained in the context of this evaluation (PMID: 38374194). ClinVar contains an entry for this variant (Variation ID: 1180605). Based on the evidence outlined above, the variant was classified as pathogenic.

Labcorp Genetics (formerly Invitae), Labcorp
Classification: Pathogenic for Walker-Warburg congenital muscular dystrophy. Last evaluated: 2023-10-15. Review status: criteria provided, single submitter. Criteria: Invitae Variant Classification Sherloc (09022015). Collection method: clinical testing. Allele origin: germline.
Comment: This sequence change replaces valine, which is neutral and non-polar, with leucine, which is neutral and non-polar, at codon 338 of the FKRP protein (p.Val338Leu). This variant is not present in population databases (gnomAD no frequency). This missense change has been observed in individuals with congenital muscular dystrophy and/or limb girdle muscular dystrophy (PMID: 20623375, 27671536, 33051673). It has also been observed to segregate with disease in related individuals. ClinVar contains an entry for this variant (Variation ID: 1180605). Advanced modeling of protein sequence and biophysical properties (such as structural, functional, and spatial information, amino acid conservation, physicochemical variation, residue mobility, and thermodynamic stability) has been performed at Invitae for this missense variant, however the output from this modeling did not meet the statistical confidence thresholds required to predict the impact of this variant on FKRP protein function. For these reasons, this variant has been classified as Pathogenic.

Kariminejad - Najmabadi Pathology & Genetics Center
Classification: Likely pathogenic for Abnormality of the musculature. Last evaluated: 2021-07-10. Review status: criteria provided, single submitter. Criteria: ACMG Guidelines, 2015. Collection method: clinical testing. Allele origin: germline. Affected: yes.

Literature cited by the submitters: PubMed 38374194 (cited by Women's Health and Genetics/Laboratory Corporation of America, LabCorp); PubMed 20623375 (cited by Labcorp Genetics (formerly Invitae), Labcorp); PubMed 27671536 (cited by Labcorp Genetics (formerly Invitae), Labcorp); PubMed 33051673 (cited by Labcorp Genetics (formerly Invitae), Labcorp).

NM_024301.5(FKRP):c.1012G>C (p.Val338Leu)

Gene: FKRP (fukutin related protein; plus strand). Cytogenetic location: 19q13.32.
Variant type: single nucleotide variant.
Coding change: c.1012G>C on transcript NM_024301.5 (MANE Select); coding-DNA position 1012, G replaced by C.
Protein change: p.Val338Leu; replaces valine 338 with leucine.
Molecular consequence: missense variant.
Genome position (GRCh38, 1-based): chr19:46,756,462, G>C. VCF-style: chr19-46756462-G-C. GRCh37 (hg19) VCF-style: chr19-47259719-G-C.
Other names: c.1012G>C, p.Val338Leu (NM_001039885.3); short protein forms V338L.
Identifiers: ClinVar variation 1180605 (VCV001180605.8), dbSNP rs1173430388, ClinGen allele CA406496466.